The following is an entry in ClinVar:

ClinVar aggregate classification (germline): Uncertain significance (1 of 4 stars; one submission).

Submission:

Labcorp Genetics (formerly Invitae), Labcorp
Classification: Uncertain significance. Last evaluated: 2023-12-04. Review status: criteria provided, single submitter. Criteria: Invitae Variant Classification Sherloc (09022015). Collection method: clinical testing. Allele origin: germline.
Comment: This sequence change replaces aspartic acid, which is acidic and polar, with glutamic acid, which is acidic and polar, at codon 995 of the CNOT1 protein (p.Asp995Glu). This variant is not present in population databases (gnomAD no frequency). This variant has not been reported in the literature in individuals affected with CNOT1-related conditions. An algorithm developed to predict the effect of missense changes on protein structure and function (PolyPhen-2) suggests that this variant is likely to be tolerated. In summary, the available evidence is currently insufficient to determine the role of this variant in disease. Therefore, it has been classified as a Variant of Uncertain Significance.

NM_016284.5(CNOT1):c.3000T>A (p.Asp1000Glu)

Gene: CNOT1 (CCR4-NOT transcription complex subunit 1; minus strand). Cytogenetic location: 16q21.
Variant type: single nucleotide variant.
Coding change: c.3000T>A on transcript NM_016284.5 (MANE Select); coding-DNA position 3000, T replaced by A.
Protein change: p.Asp1000Glu; replaces aspartic acid 1000 with glutamic acid.
Molecular consequence: missense variant. On other transcripts: non-coding transcript variant (1).
Genome position (GRCh38, 1-based): chr16:58,551,790, A>T on the plus strand (T>A on the coding strand, the complement: CNOT1 is on the minus strand). VCF-style: chr16-58551790-A-T. GRCh37 (hg19) VCF-style: chr16-58585694-A-T.
Other names: c.2985T>A, p.Asp995Glu (NM_001265612.2); c.3000T>A, p.Asp1000Glu (NM_206999.3); short protein forms D995E, D1000E.
Identifiers: ClinVar variation 2700885 (VCV002700885.3), dbSNP rs1026577793, ClinGen allele CA396173068.